The following is an entry in ClinVar:

ClinVar aggregate classification (germline): Uncertain significance (1 of 4 stars; one submission).

Conditions:
Familial melanoma. Also called: Hereditary melanoma; Hereditary cutaneous melanoma. Identifiers: Orphanet 618, MedGen C1512419, MONDO:0018961.

Submission:

Labcorp Genetics (formerly Invitae), Labcorp
Classification: Uncertain significance for Familial melanoma. Last evaluated: 2021-07-27. Review status: criteria provided, single submitter. Criteria: Invitae Variant Classification Sherloc (09022015). Collection method: clinical testing. Allele origin: germline.
Comment: In summary, the available evidence is currently insufficient to determine the role of this variant in disease. Therefore, it has been classified as a Variant of Uncertain Significance. Advanced modeling of protein sequence and biophysical properties (such as structural, functional, and spatial information, amino acid conservation, physicochemical variation, residue mobility, and thermodynamic stability) performed at Invitae indicates that this missense variant is expected to disrupt CDK4 protein function. This variant has not been reported in the literature in individuals affected with CDK4-related conditions. This variant is not present in population databases (ExAC no frequency). This sequence change replaces tyrosine with histidine at codon 6 of the CDK4 protein (p.Tyr6His). The tyrosine residue is moderately conserved and there is a moderate physicochemical difference between tyrosine and histidine.

NM_000075.4(CDK4):c.16T>C (p.Tyr6His)

Gene: CDK4 (cyclin dependent kinase 4; minus strand). Cytogenetic location: 12q14.1.
Variant type: single nucleotide variant.
Coding change: c.16T>C on transcript NM_000075.4 (MANE Select); coding-DNA position 16, T replaced by C.
Protein change: p.Tyr6His; replaces tyrosine 6 with histidine.
Molecular consequence: missense variant.
Genome position (GRCh38, 1-based): chr12:57,751,702, A>G on the plus strand (T>C on the coding strand, the complement: CDK4 is on the minus strand). VCF-style: chr12-57751702-A-G. GRCh37 (hg19) VCF-style: chr12-58145485-A-G.
Other names: short protein forms Y6H.
Identifiers: ClinVar variation 1508069 (VCV001508069.8), dbSNP rs2140388780, ClinGen allele CA385549301.